The following is an entry in ClinVar:

NM_006922.4(SCN3A):c.4631T>C (p.Met1544Thr)

Gene: SCN3A (sodium voltage-gated channel alpha subunit 3; minus strand). Cytogenetic location: 2q24.3.
Variant type: single nucleotide variant.
Coding change: c.4631T>C on transcript NM_006922.4 (MANE Select); coding-DNA position 4631, T replaced by C.
Protein change: p.Met1544Thr; replaces methionine 1544 with threonine.
Molecular consequence: missense variant.
Genome position (GRCh38, 1-based): chr2:165,092,430, A>G on the plus strand (T>C on the coding strand, the complement: SCN3A is on the minus strand). VCF-style: chr2-165092430-A-G. GRCh37 (hg19) VCF-style: chr2-165948940-A-G.
Other names: c.4631T>C (NM_006922.3); c.4484T>C, p.Met1495Thr (NM_001081676.2, NM_001081677.2); short protein forms M1544T, M1495T.
Identifiers: ClinVar variation 1046111 (VCV001046111.7), dbSNP rs751272471, ClinGen allele CA1938531.

ClinVar aggregate classification (germline): Uncertain significance. Review status: criteria provided, multiple submitters, no conflicts (2 of 4 stars). 2 submissions from 2 submitters: Uncertain significance (2). Last evaluated 2025-04-21.

Conditions:
SCN3A-related disorder. Also called: SCN3A-related condition.

Allele frequency attached by ClinVar (database versions not stated): ExAC 0.00001; gnomAD 0.00002; gnomAD exomes 0.00002 and 0.00006; TOPMed 0.00003.

Submissions (2):

Labcorp Genetics (formerly Invitae), Labcorp
Classification: Uncertain significance. Last evaluated: 2025-04-21. Review status: criteria provided, single submitter. Criteria: Invitae Variant Classification Sherloc (09022015). Collection method: clinical testing. Allele origin: germline.
Comment: This sequence change replaces methionine, which is neutral and non-polar, with threonine, which is neutral and polar, at codon 1544 of the SCN3A protein (p.Met1544Thr). This variant is present in population databases (rs751272471, gnomAD 0.008%). This variant has not been reported in the literature in individuals affected with SCN3A-related conditions. ClinVar contains an entry for this variant (Variation ID: 1046111). Invitae Evidence Modeling of protein sequence and biophysical properties (such as structural, functional, and spatial information, amino acid conservation, physicochemical variation, residue mobility, and thermodynamic stability) has been performed for this missense variant. However, the output from this modeling did not meet the statistical confidence thresholds required to predict the impact of this variant on SCN3A protein function. In summary, the available evidence is currently insufficient to determine the role of this variant in disease. Therefore, it has been classified as a Variant of Uncertain Significance.

PreventionGenetics, part of Exact Sciences
Classification: Uncertain significance for SCN3A-related condition. Last evaluated: 2023-09-25. Review status: criteria provided, single submitter. Criteria: ACMG Guidelines, 2015. Collection method: clinical testing. Allele origin: germline.
Comment: The SCN3A c.4631T>C variant is predicted to result in the amino acid substitution p.Met1544Thr. To our knowledge, this variant has not been reported in the literature. This variant is reported in 0.0080% of alleles in individuals of African descent in gnomAD. At this time, the clinical significance of this variant is uncertain due to the absence of conclusive functional and genetic evidence.